The following is an entry in ClinVar:

NM_006118.4(HAX1):c.596T>C (p.Val199Ala)

Gene: HAX1 (HCLS1 associated protein X-1; plus strand). Cytogenetic location: 1q21.3.
Variant type: single nucleotide variant.
Coding change: c.596T>C on transcript NM_006118.4 (MANE Select); coding-DNA position 596, T replaced by C.
Protein change: p.Val199Ala; replaces valine 199 with alanine.
Molecular consequence: missense variant.
Genome position (GRCh38, 1-based): chr1:154,275,193, T>C. VCF-style: chr1-154275193-T-C. GRCh37 (hg19) VCF-style: chr1-154247669-T-C.
Other names: c.452T>C, p.Val151Ala (NM_001018837.2); short protein forms V199A, V151A.
Identifiers: ClinVar variation 4269048 (VCV004269048.1).

ClinVar aggregate classification (germline): Uncertain significance (1 of 4 stars; one submission).

Conditions:
Inborn genetic diseases. Identifiers: MedGen C0950123, MeSH D030342.

Submission:

Ambry Genetics
Classification: Uncertain significance for Inborn genetic diseases. Last evaluated: 2025-08-20. Review status: criteria provided, single submitter. Criteria: Ambry Variant Classification Scheme 2023. Collection method: clinical testing. Allele origin: germline.
Comment: The p.V199A variant (also known as c.596T>C), located in coding exon 5 of the HAX1 gene, results from a T to C substitution at nucleotide position 596. The valine at codon 199 is replaced by alanine, an amino acid with similar properties. This amino acid position is conserved. In addition, this alteration is predicted to be tolerated by in silico analysis. Based on the available evidence, the clinical significance of this variant remains unclear.